The following is an entry in ClinVar:

ClinVar aggregate classification (germline): Uncertain significance. Review status: criteria provided, multiple submitters, no conflicts (2 of 4 stars). 2 submissions from 2 submitters: Uncertain significance (2). Last evaluated 2024-08-19.

gnomAD v4.1: 5 of 1,614,114 alleles (0.00031%); highest among the groups gnomAD compares: African/African-American, 0.0053%; no homozygotes.

Submissions (2):

GeneDx
Classification: Uncertain significance. Last evaluated: 2024-08-19. Review status: criteria provided, single submitter. Criteria: GeneDx Variant Classification Process June 2021. Collection method: clinical testing. Allele origin: germline. Affected: yes.
Comment: Not observed at significant frequency in large population cohorts (gnomAD); In silico analysis supports that this missense variant has a deleterious effect on protein structure/function; Has not been previously published as pathogenic or benign to our knowledge

Labcorp Genetics (formerly Invitae), Labcorp
Classification: Uncertain significance. Last evaluated: 2022-09-27. Review status: criteria provided, single submitter. Criteria: Invitae Variant Classification Sherloc (09022015). Collection method: clinical testing. Allele origin: germline.
Comment: This sequence change replaces leucine, which is neutral and non-polar, with valine, which is neutral and non-polar, at codon 406 of the MARS2 protein (p.Leu406Val). This variant is present in population databases (no rsID available, gnomAD 0.01%). This variant has not been reported in the literature in individuals affected with MARS2-related conditions. ClinVar contains an entry for this variant (Variation ID: 1467485). Algorithms developed to predict the effect of missense changes on protein structure and function (SIFT, PolyPhen-2, Align-GVGD) all suggest that this variant is likely to be disruptive. In summary, the available evidence is currently insufficient to determine the role of this variant in disease. Therefore, it has been classified as a Variant of Uncertain Significance.

NM_138395.4(MARS2):c.1216C>G (p.Leu406Val)

Gene: MARS2 (methionyl-tRNA synthetase 2, mitochondrial; plus strand). Cytogenetic location: 2q33.1.
Variant type: single nucleotide variant.
Coding change: c.1216C>G on transcript NM_138395.4 (MANE Select); coding-DNA position 1216, C replaced by G.
Protein change: p.Leu406Val; replaces leucine 406 with valine.
Molecular consequence: missense variant.
Genome position (GRCh38, 1-based): chr2:197,706,621, C>G. VCF-style: chr2-197706621-C-G. GRCh37 (hg19) VCF-style: chr2-198571345-C-G.
Other names: c.1216C>G (NM_138395.3); short protein forms L406V.
Identifiers: ClinVar variation 1467485 (VCV001467485.7), dbSNP rs1293772676, ClinGen allele CA350214195.